The following is an entry in ClinVar:

ClinVar aggregate classification (germline): Benign/Likely benign. Review status: criteria provided, multiple submitters, no conflicts (2 of 4 stars). 5 submissions from 5 submitters: Benign (2); Likely benign (3). Last evaluated 2026-01-25.

Conditions:
Congenital stationary night blindness 1E. Also called: Night blindness, congenital stationary (complete), 1E, autosomal recessive. Identifiers: Orphanet 215, MedGen C3281215, MONDO:0013807, OMIM 614565.

Allele frequency attached by ClinVar (database versions not stated): ExAC 0.00734; gnomAD 0.02332 and 0.02523; ESP Exome Variant Server 0.02378; TOPMed 0.02532; 1000 Genomes Project 0.02656; 1000 Genomes Project 30x 0.02811.
gnomAD v4.1: 6,895 of 1,597,960 alleles (0.43%); highest among the groups gnomAD compares: African/African-American, 8.1%; 228 homozygotes.

Submissions (5):

Labcorp Genetics (formerly Invitae), Labcorp
Classification: Benign. Last evaluated: 2026-01-25. Review status: criteria provided, single submitter. Criteria: Invitae Variant Classification Sherloc (09022015). Collection method: clinical testing. Allele origin: germline.

Fulgent Genetics
Classification: Likely benign for Congenital stationary night blindness 1E. Last evaluated: 2022-05-09. Review status: criteria provided, single submitter. Criteria: ACMG Guidelines, 2015. Collection method: clinical testing. Allele origin: unknown.

GeneDx
Classification: Benign. Last evaluated: 2021-05-04. Review status: criteria provided, single submitter. Criteria: GeneDx Variant Classification Process June 2021. Collection method: clinical testing. Allele origin: germline. Affected: yes.

Illumina Laboratory Services, Illumina
Classification: Likely benign for Congenital stationary night blindness 1E. Last evaluated: 2017-04-27. Review status: criteria provided, single submitter. Criteria: ICSL Variant Classification Criteria 13 December 2019. Collection method: clinical testing. Allele origin: germline.
Comment: This variant was observed as part of a predisposition screen in an ostensibly healthy population. A literature search was performed for the gene, cDNA change, and amino acid change (where applicable). No publications were found based on this search. Allele frequency data from public databases allowed determination this variant is unlikely to cause disease. Therefore, this variant is classified as likely benign.

Breakthrough Genomics
Classification: Likely benign. Review status: criteria provided, single submitter. Criteria: ACMG Guidelines, 2015. Collection method: not provided. Allele origin: germline. Inheritance: Autosomal recessive inheritance. Affected: yes.

NM_001004334.4(GPR179):c.2040C>T (p.Asp680=)

Gene: GPR179 (G protein-coupled receptor 179; minus strand). Cytogenetic location: 17q12.
Variant type: single nucleotide variant.
Coding change: c.2040C>T on transcript NM_001004334.4 (MANE Select); coding-DNA position 2040, C replaced by T.
Protein change: p.Asp680=; no amino-acid change (aspartic acid 680 retained).
Molecular consequence: synonymous variant.
Genome position (GRCh38, 1-based): chr17:38,331,529, G>A on the plus strand (C>T on the coding strand, the complement: GPR179 is on the minus strand). VCF-style: chr17-38331529-G-A. GRCh37 (hg19) VCF-style: chr17-36487412-G-A.
Identifiers: ClinVar variation 323013 (VCV000323013.16), dbSNP rs111770829, ClinGen allele CA10650036.